The following is an entry in ClinVar:

NM_001379500.1(COL18A1):c.3547C>G (p.Arg1183Gly)

Genes: COL18A1 (collagen type XVIII alpha 1 chain; plus strand), SLC19A1 (solute carrier family 19 member 1; minus strand). Cytogenetic location: 21q22.3.
Variant type: single nucleotide variant.
Coding change: c.3547C>G on transcript NM_001379500.1 (MANE Select); coding-DNA position 3547, C replaced by G.
Protein change: p.Arg1183Gly; replaces arginine 1183 with glycine.
Molecular consequence: missense variant.
Genome position (GRCh38, 1-based): chr21:45,510,115, C>G. VCF-style: chr21-45510115-C-G. GRCh37 (hg19) VCF-style: chr21-46930029-C-G.
Other names: c.4078C>G, p.Arg1360Gly (NM_030582.4); c.4783C>G, p.Arg1595Gly (NM_130444.3); short protein forms R1360G, R1183G, R1595G.
Identifiers: ClinVar variation 2129350 (VCV002129350.4), dbSNP rs746594158, ClinGen allele CA410501543.

ClinVar aggregate classification (germline): Uncertain significance (1 of 4 stars; one submission).

Submission:

Labcorp Genetics (formerly Invitae), Labcorp
Classification: Uncertain significance. Last evaluated: 2022-04-22. Review status: criteria provided, single submitter. Criteria: Invitae Variant Classification Sherloc (09022015). Collection method: clinical testing. Allele origin: germline.
Comment: Experimental studies and prediction algorithms are not available or were not evaluated, and the functional significance of this variant is currently unknown. This variant has not been reported in the literature in individuals affected with COL18A1-related conditions. This variant is not present in population databases (gnomAD no frequency). This sequence change replaces arginine, which is basic and polar, with glycine, which is neutral and non-polar, at codon 1180 of the COL18A1 protein (p.Arg1180Gly). In summary, the available evidence is currently insufficient to determine the role of this variant in disease. Therefore, it has been classified as a Variant of Uncertain Significance.